The following is an entry in ClinVar:

NM_000051.4(ATM):c.6092C>T (p.Thr2031Ile)

Genes: ATM (ATM serine/threonine kinase; plus strand), C11orf65 (chromosome 11 open reading frame 65; minus strand). Cytogenetic location: 11q22.3.
Variant type: single nucleotide variant.
Coding change: c.6092C>T on transcript NM_000051.4 (MANE Select); coding-DNA position 6092, C replaced by T.
Protein change: p.Thr2031Ile; replaces threonine 2031 with isoleucine.
Molecular consequence: missense variant. On other transcripts: intron variant (2).
Genome position (GRCh38, 1-based): chr11:108,315,908, C>T. VCF-style: chr11-108315908-C-T. GRCh37 (hg19) VCF-style: chr11-108186635-C-T.
Other names: c.6092C>T, p.Thr2031Ile (NM_001351834.2); c.641-6837G>A (NM_001330368.2); c.*39-6837G>A (NM_001351110.2); short protein forms T2031I.
Identifiers: ClinVar variation 481045 (VCV000481045.21), dbSNP rs1555113613, ClinGen allele CA382550213.

ClinVar aggregate classification (germline): Uncertain significance. Review status: criteria provided, multiple submitters, no conflicts (2 of 4 stars). 5 submissions from 5 submitters: Uncertain significance (5). Last evaluated 2025-12-13.

Conditions:
ATM-related cancer predisposition. Also called: ATM-related cancer susceptibility. Identifiers: MedGen CN377759, MONDO:0700270.
Hereditary cancer-predisposing syndrome. Also called: Neoplastic Syndromes, Hereditary; Hereditary Cancer Syndrome; Tumor predisposition; Hereditary neoplastic syndrome. Identifiers: Orphanet 140162, MedGen C0027672, MeSH D009386, MONDO:0015356.
Ataxia-telangiectasia syndrome (AT). Also called: LOUIS-BAR SYNDROME; Cerebello-oculocutaneous telangiectasia; Immunodeficiency with ataxia telangiectasia; Ataxia-telangiectasia, complementation group D; AT, COMPLEMENTATION GROUP C; Ataxia-telangiectasia, complementation group E. Identifiers: Orphanet 100, MedGen C0004135, MONDO:0008840, OMIM 208900.

Submissions (5):

Ambry Genetics
Classification: Uncertain significance for Hereditary cancer-predisposing syndrome. Last evaluated: 2025-12-13. Review status: criteria provided, single submitter. Criteria: Ambry Variant Classification Scheme 2023. Collection method: clinical testing. Allele origin: germline.
Comment: The p.T2031I variant (also known as c.6092C>T), located in coding exon 40 of the ATM gene, results from a C to T substitution at nucleotide position 6092. The threonine at codon 2031 is replaced by isoleucine, an amino acid with similar properties. This amino acid position is not well conserved in available vertebrate species. In addition, this alteration is predicted to be tolerated by in silico analysis. Since supporting evidence is limited at this time, the clinical significance of this alteration remains unclear.

Dasa
Classification: Uncertain significance for ATM-related cancer predisposition. Last evaluated: 2025-11-21. Review status: criteria provided, single submitter. Criteria: DASA Assertion Criteria. Collection method: clinical testing. Allele origin: germline.
Comment: NM_000051.4(ATM):c.6092C>T (p.Thr2031Ile) is a missense variant that results in the substitution of threonine with isoleucine. This variant is absent from population databases. Computational prediction algorithms are consistent with a benign effect. The currently available literature and clinical evidence are not sufficient to establish a definitive association between this variant and the reported condition. Therefore, this variant is classified as a variant of uncertain significance.

Color Diagnostics, LLC DBA Color Health
Classification: Uncertain significance for Hereditary cancer-predisposing syndrome. Last evaluated: 2025-06-30. Review status: criteria provided, single submitter. Criteria: ACMG Guidelines, 2015. Collection method: clinical testing. Allele origin: germline.
Comment: This missense variant replaces threonine with isoleucine at codon 2031 of the ATM protein. Computational prediction suggests that this variant may not impact protein structure and function. To our knowledge, functional studies have not been reported for this variant. This variant has been reported in an individual affected with colorectal cancer and in unaffected individuals in a colorectal cancer risk study (PMID: 33309985). This variant has not been identified in the general population by the Genome Aggregation Database (gnomAD). The available evidence is insufficient to determine the role of this variant in disease conclusively. Therefore, this variant is classified as a Variant of Uncertain Significance.

Labcorp Genetics (formerly Invitae), Labcorp
Classification: Uncertain significance for Ataxia-telangiectasia syndrome. Last evaluated: 2024-08-18. Review status: criteria provided, single submitter. Criteria: Invitae Variant Classification Sherloc (09022015). Collection method: clinical testing. Allele origin: germline.
Comment: This sequence change replaces threonine, which is neutral and polar, with isoleucine, which is neutral and non-polar, at codon 2031 of the ATM protein (p.Thr2031Ile). This variant is not present in population databases (gnomAD no frequency). This variant has not been reported in the literature in individuals affected with ATM-related conditions. ClinVar contains an entry for this variant (Variation ID: 481045). An algorithm developed to predict the effect of missense changes on protein structure and function (PolyPhen-2) suggests that this variant is likely to be tolerated. In summary, the available evidence is currently insufficient to determine the role of this variant in disease. Therefore, it has been classified as a Variant of Uncertain Significance.

Mendelics
Classification: Uncertain significance. Last evaluated: 2022-05-04. Review status: criteria provided, single submitter. Criteria: Mendelics Assertion Criteria 2019. Collection method: clinical testing. Allele origin: germline.

Literature cited by the submitters: PubMed 33309985 (cited by Color Diagnostics, LLC DBA Color Health).